The following is an entry in ClinVar:

NM_003179.3(SYP):c.54G>C (p.Gln18His)

Genes: SYP (synaptophysin; minus strand), SYP-AS1 (SYP antisense RNA 1; plus strand). Cytogenetic location: Xp11.23.
Variant type: single nucleotide variant.
Coding change: c.54G>C on transcript NM_003179.3 (MANE Select); coding-DNA position 54, G replaced by C.
Protein change: p.Gln18His; replaces glutamine 18 with histidine.
Molecular consequence: missense variant. On other transcripts: non-coding transcript variant (1).
Genome position (GRCh38, 1-based): chrX:49,199,016, C>G on the plus strand (G>C on the coding strand, the complement: SYP is on the minus strand). VCF-style: chrX-49199016-C-G. GRCh37 (hg19) VCF-style: chrX-49055475-C-G.
Other names: short protein forms Q18H.
Identifiers: ClinVar variation 3062057 (VCV003062057.1), dbSNP rs781815856, ClinGen allele CA412954868.
Genomic context (GRCh38, chrX:49,199,016, plus strand): 5'-GACCACACTCACCCATTGCAGCACCTTCACAAAGCCGAGGGGCTCCTTGACCACCCGGAA[C>G]TGACCCCCAGCCACCAGCTGAGGAGAGAAACAGTGGGGAAGGGGTGGGGTTGTTGGAGGT-3'
Protein context (NP_003170.1, residues 8-28): DVVNQLVAGG[Gln18His]FRVVKEPLGF

ClinVar aggregate classification (germline): Uncertain significance (1 of 4 stars; one submission).

Conditions:
Intellectual developmental disorder, X-linked 96. Also called: Intellectual disability, X-linked 96. Identifiers: Orphanet 777, MedGen C3275408, MONDO:0010429, OMIM 300802.

gnomAD v4.1: 4 of 1,209,653 alleles (0.00033%); highest among the groups gnomAD compares: Admixed American, 0.0066%; no homozygotes.

Submission:

Illumina Laboratory Services, Illumina
Classification: Uncertain significance for Intellectual developmental disorder, X-linked 96. Last evaluated: 2018-11-08. Review status: criteria provided, single submitter. Criteria: ICSLVariantClassificationCriteria RUGD 01 April 2020. Collection method: clinical testing. Allele origin: unknown.
Comment: The SYP c.54G>C p.(Gln18His) missense variant has not, to our knowledge, been reported in the peer-reviewed literature. This variant is not observed in version 2.1.1 of the Genome Aggregation Database. This variant has been shown to segregate with disease in this family. Based on the limited evidence, the p.Gln18His variant is classified as a variant of uncertain significance for X-linked intellectual developmental disorder.